The following is an entry in ClinVar:

NM_000400.4(ERCC2):c.1513A>G (p.Ser505Gly)

Gene: ERCC2 (ERCC excision repair 2, TFIIH core complex helicase subunit; minus strand). Cytogenetic location: 19q13.32.
Variant type: single nucleotide variant.
Coding change: c.1513A>G on transcript NM_000400.4 (MANE Select); coding-DNA position 1513, A replaced by G.
Protein change: p.Ser505Gly; replaces serine 505 with glycine.
Molecular consequence: missense variant.
Genome position (GRCh38, 1-based): chr19:45,355,695, T>C on the plus strand (A>G on the coding strand, the complement: ERCC2 is on the minus strand). VCF-style: chr19-45355695-T-C. GRCh37 (hg19) VCF-style: chr19-45858953-T-C.
Other names: short protein forms S505G.
Identifiers: ClinVar variation 1774259 (VCV001774259.2), dbSNP rs2514008440, ClinGen allele CA406365868.

ClinVar aggregate classification (germline): Uncertain significance (1 of 4 stars; one submission).

Conditions:
Inborn genetic diseases. Identifiers: MedGen C0950123, MeSH D030342.

Submission:

Ambry Genetics
Classification: Uncertain significance for Inborn genetic diseases. Last evaluated: 2022-01-27. Review status: criteria provided, single submitter. Criteria: Ambry Variant Classification Scheme 2023. Collection method: clinical testing. Allele origin: germline.
Comment: The p.S505G variant (also known as c.1513A>G), located in coding exon 16 of the ERCC2 gene, results from an A to G substitution at nucleotide position 1513. The serine at codon 505 is replaced by glycine, an amino acid with similar properties. This amino acid position is conserved. In addition, the in silico prediction for this alteration is inconclusive. Since supporting evidence is limited at this time, the clinical significance of this alteration remains unclear.